The following is an entry in ClinVar:

ClinVar aggregate classification (germline): Uncertain significance. Review status: criteria provided, multiple submitters, no conflicts (2 of 4 stars). 2 submissions from 2 submitters: Uncertain significance (2). Last evaluated 2025-12-11.

Conditions:
ALMS1-related disorder. Also called: ALMS1-related condition.
Cardiovascular phenotype. Identifiers: MedGen CN230736.

Allele frequency attached by ClinVar (database versions not stated): gnomAD exomes below 0.00001.
gnomAD v4.1: 2 of 1,613,640 alleles (0.00012%); highest among the groups gnomAD compares: Admixed American, 0.0017%; no homozygotes.

Submissions (2):

PreventionGenetics, part of Exact Sciences
Classification: Uncertain significance for ALMS1-related condition. Last evaluated: 2025-12-11. Review status: criteria provided, single submitter. Criteria: ACMG Guidelines, 2015. Collection method: clinical testing. Allele origin: germline.
Comment: The ALMS1 c.11611T>C variant is predicted to result in the amino acid substitution p.Ser3871Pro. To our knowledge, this variant has not been reported in the literature or in a large population database (gnomAD), indicating this variant is rare. At this time, the clinical significance of this variant is uncertain due to the absence of conclusive functional and genetic evidence.

Ambry Genetics
Classification: Uncertain significance for Cardiovascular phenotype. Last evaluated: 2023-11-28. Review status: criteria provided, single submitter. Criteria: Ambry Variant Classification Scheme 2023. Collection method: clinical testing. Allele origin: germline.
Comment: The p.S3871P variant (also known as c.11611T>C), located in coding exon 17 of the ALMS1 gene, results from a T to C substitution at nucleotide position 11611. The serine at codon 3871 is replaced by proline, an amino acid with similar properties. This amino acid position is not well conserved in available vertebrate species. In addition, this alteration is predicted to be tolerated by in silico analysis. Since supporting evidence is limited at this time, the clinical significance of this alteration remains unclear.

NM_001378454.1(ALMS1):c.11608T>C (p.Ser3870Pro)

Gene: ALMS1 (ALMS1 centrosome and basal body associated protein; plus strand). Cytogenetic location: 2p13.1.
Variant type: single nucleotide variant.
Coding change: c.11608T>C on transcript NM_001378454.1 (MANE Select); coding-DNA position 11608, T replaced by C.
Protein change: p.Ser3870Pro; replaces serine 3870 with proline.
Molecular consequence: missense variant.
Genome position (GRCh38, 1-based): chr2:73,599,461, T>C. VCF-style: chr2-73599461-T-C. GRCh37 (hg19) VCF-style: chr2-73826588-T-C.
Other names: c.11611T>C, p.Ser3871Pro (NM_015120.4); short protein forms S3870P, S3871P.
Identifiers: ClinVar variation 3226578 (VCV003226578.2), dbSNP rs2466516257, ClinGen allele CA347262887.
Genomic context (GRCh38, chr2:73,599,461, plus strand): 5'-GTAGCAAACCATGTGATTTCTTCTGACTCTATTTCCTCTTCTGCCAGTAGTTTCCTGAGC[T>C]CAAACTCTACTTTTTGCAACAAGCAGAATGTACACATGTTAAACAAGGGCATACAAGCAG-3'
Protein context (NP_001365383.1, residues 3860-3880): ISSSASSFLS[Ser3870Pro]NSTFCNKQNV